The following is an entry in ClinVar:

ClinVar aggregate classification (germline): Pathogenic. Review status: criteria provided, multiple submitters, no conflicts (2 of 4 stars). 3 submissions from 3 submitters: Pathogenic (3). Last evaluated 2025-12-01.

Conditions:
Inborn genetic diseases. Identifiers: MedGen C0950123, MeSH D030342.
3M syndrome 1. Also called: 3-M Syndrome, CUL7-Related. Identifiers: Orphanet 2616, MedGen C2678312, MONDO:0010117, OMIM 273750.

Allele frequency attached by ClinVar (database versions not stated): gnomAD exomes below 0.00001; ExAC 0.00001.
gnomAD v4.1: 2 of 1,614,204 alleles (0.00012%); highest among the groups gnomAD compares: Admixed American, 0.0033%; no homozygotes.

Submissions (3):

3billion
Classification: Pathogenic for 3M syndrome 1. Last evaluated: 2025-12-01. Review status: criteria provided, single submitter. Criteria: ACMG Guidelines, 2015. Collection method: clinical testing. Allele origin: germline. Affected: yes.
Comment: The variant is observed at an extremely low frequency in the gnomAD v4.1.0 dataset (total allele frequency: <0.001%). Predicted Consequence/Location: Canonical splice site: predicted to alter splicing and result in a loss or disruption of normal protein function. Multiple pathogenic loss-of-function variants are reported downstream of the variant. In silico tools predict the variant to alter splicing and produce an abnormal transcript [SpliceAI: 1.00 (spliceogenicity >=0.2, non-spliceogenicity <0.1)]. The variant has been reported at least twice as pathogenic without evidence for the classification (ClinVar ID: VCV000985417 /PMID: 38702915). Therefore, this variant is classified as Pathogenic according to the recommendation of ACMG/AMP guideline.

Labcorp Genetics (formerly Invitae), Labcorp
Classification: Pathogenic. Last evaluated: 2021-07-12. Review status: criteria provided, single submitter. Criteria: Invitae Variant Classification Sherloc (09022015). Collection method: clinical testing. Allele origin: germline.
Comment: For these reasons, this variant has been classified as Pathogenic. Algorithms developed to predict the effect of sequence changes on RNA splicing suggest that this variant may disrupt the consensus splice site, but this prediction has not been confirmed by published transcriptional studies. Disruption of this splice site has been observed in individual(s) with 3-M syndrome (PMID: 19225462). This variant is present in population databases (rs765870874, ExAC 0.009%). This sequence change affects a donor splice site in intron 12 of the CUL7 gene. It is expected to disrupt RNA splicing. Variants that disrupt the donor or acceptor splice site typically lead to a loss of protein function (PMID: 16199547), and loss-of-function variants in CUL7 are known to be pathogenic (PMID: 16142236, 17675530, 19225462).

Ambry Genetics
Classification: Pathogenic for Inborn genetic diseases. Last evaluated: 2018-11-27. Review status: criteria provided, single submitter. Criteria: Ambry exome assertion method (8-5-2015). Collection method: clinical testing. Allele origin: germline. Affected: yes. Observed: 1 variant allele.

Literature cited by the submitters: PubMed 38702915 (cited by 3billion); PubMed 19225462 (cited by Labcorp Genetics (formerly Invitae), Labcorp and Ambry Genetics); PubMed 16199547 (cited by Labcorp Genetics (formerly Invitae), Labcorp); PubMed 16142236 (cited by Labcorp Genetics (formerly Invitae), Labcorp); PubMed 17675530 (cited by Labcorp Genetics (formerly Invitae), Labcorp).

NM_014780.5(CUL7):c.2660+1G>C

Gene: CUL7 (cullin 7; minus strand). Cytogenetic location: 6p21.1.
Variant type: single nucleotide variant.
Coding change: c.2660+1G>C on transcript NM_014780.5 (MANE Select); the canonical splice donor site of the intron after coding-DNA position 2660, G replaced by C.
Molecular consequence: splice donor variant.
Genome position (GRCh38, 1-based): chr6:43,046,235, C>G on the plus strand (G>C on the coding strand, the complement: CUL7 is on the minus strand). VCF-style: chr6-43046235-C-G. GRCh37 (hg19) VCF-style: chr6-43013973-C-G.
Other names: c.2756+1G>C (NM_001168370.2, NM_001374872.1); c.2660+1G>C (NM_001374874.1, NM_001374873.1).
Identifiers: ClinVar variation 985417 (VCV000985417.13), dbSNP rs765870874, ClinGen allele CA3813769.
Genomic context (GRCh38, chr6:43,046,235, plus strand): 5'-AACACAGGGGCGTCACAGGAAAGCACACGTGTGTGGCAAAGCACATGTGTGGGAGAGTTA[C>G]CTGATGAGGATGCCCCGGCGCATGTGCAGGGTGATGTAGTGGGAGCCGGCGCTGCCGTTG-3'